The following is an entry in ClinVar:

ClinVar aggregate classification (germline): Uncertain significance (1 of 4 stars; one submission).

Submission:

Labcorp Genetics (formerly Invitae), Labcorp
Classification: Uncertain significance. Last evaluated: 2025-05-09. Review status: criteria provided, single submitter. Criteria: Invitae Variant Classification Sherloc (09022015). Collection method: clinical testing. Allele origin: germline.
Comment: This sequence change replaces lysine, which is basic and polar, with arginine, which is basic and polar, at codon 413 of the NBEA protein (p.Lys413Arg). This variant is not present in population databases (gnomAD no frequency). This variant has not been reported in the literature in individuals affected with NBEA-related conditions. An algorithm developed to predict the effect of missense changes on protein structure and function (PolyPhen-2) suggests that this variant is likely to be disruptive. Algorithms developed to predict the effect of sequence changes on RNA splicing suggest that this variant may disrupt the consensus splice site. In summary, the available evidence is currently insufficient to determine the role of this variant in disease. Therefore, it has been classified as a Variant of Uncertain Significance.

NM_001385012.1(NBEA):c.1238A>G (p.Lys413Arg)

Gene: NBEA (neurobeachin; plus strand). Cytogenetic location: 13q13.3.
Variant type: single nucleotide variant.
Coding change: c.1238A>G on transcript NM_001385012.1 (MANE Select); coding-DNA position 1238, A replaced by G.
Protein change: p.Lys413Arg; replaces lysine 413 with arginine.
Molecular consequence: missense variant.
Genome position (GRCh38, 1-based): chr13:35,058,862, A>G. VCF-style: chr13-35058862-A-G. GRCh37 (hg19) VCF-style: chr13-35632999-A-G.
Other names: c.1238A>G, p.Lys413Arg (NM_001379245.1, NM_015678.5); short protein forms K413R.
Identifiers: ClinVar variation 4718562 (VCV004718562.1).